The following is an entry in ClinVar:

NM_000238.4(KCNH2):c.2891C>T (p.Pro964Leu)

Gene: KCNH2 (potassium voltage-gated channel subfamily H member 2; minus strand). Cytogenetic location: 7q36.1.
Variant type: single nucleotide variant.
Coding change: c.2891C>T on transcript NM_000238.4 (MANE Select); coding-DNA position 2891, C replaced by T.
Protein change: p.Pro964Leu; replaces proline 964 with leucine.
Molecular consequence: missense variant.
Genome position (GRCh38, 1-based): chr7:150,947,680, G>A on the plus strand (C>T on the coding strand, the complement: KCNH2 is on the minus strand). VCF-style: chr7-150947680-G-A. GRCh37 (hg19) VCF-style: chr7-150644768-G-A.
Other names: c.1871C>T, p.Pro624Leu (NM_172057.3); short protein forms P624L, P964L.
Identifiers: ClinVar variation 1046584 (VCV001046584.10), dbSNP rs886427965, ClinGen allele CA369853188.

ClinVar aggregate classification (germline): Uncertain significance (1 of 4 stars; one submission).

Conditions:
Long QT syndrome (LQTS). Identifiers: MedGen C0023976, MeSH D008133, MONDO:0002442. Disease mechanism: loss of function. Inheritance: Various modes of inheritance.

Submission:

Labcorp Genetics (formerly Invitae), Labcorp
Classification: Uncertain significance for Long QT syndrome. Last evaluated: 2025-12-08. Review status: criteria provided, single submitter. Criteria: Invitae Variant Classification Sherloc (09022015). Collection method: clinical testing. Allele origin: germline.
Comment: This sequence change replaces proline, which is neutral and non-polar, with leucine, which is neutral and non-polar, at codon 964 of the KCNH2 protein (p.Pro964Leu). This variant is not present in population databases (gnomAD no frequency). This variant has not been reported in the literature in individuals affected with KCNH2-related conditions. ClinVar contains an entry for this variant (Variation ID: 1046584). An algorithm developed to predict the effect of missense changes on protein structure and function (PolyPhen-2) suggests that this variant is likely to be disruptive. In summary, the available evidence is currently insufficient to determine the role of this variant in disease. Therefore, it has been classified as a Variant of Uncertain Significance.